The following is an entry in ClinVar:

NM_000535.7(PMS2):c.537+3A>G

Gene: PMS2 (PMS1 homolog 2, mismatch repair system component; minus strand). Cytogenetic location: 7p22.1.
Variant type: single nucleotide variant.
Coding change: c.537+3A>G on transcript NM_000535.7 (MANE Select); 3 bases into the intron after coding-DNA position 537, A replaced by G.
Molecular consequence: intron variant.
Genome position (GRCh38, 1-based): chr7:6,002,450, T>C on the plus strand (A>G on the coding strand, the complement: PMS2 is on the minus strand). VCF-style: chr7-6002450-T-C. GRCh37 (hg19) VCF-style: chr7-6042081-T-C.
Other names: c.219+3A>G (NM_001322008.2, NM_001322007.2); c.132+3A>G (NM_001322010.2, NM_001322004.2, NM_001322013.2 and 3 more transcripts); c.-348+3A>G (NM_001322012.2, NM_001322011.2); c.228+3A>G (NM_001322015.2); c.537+3A>G (NM_001322006.2, NM_001322014.2).
Identifiers: ClinVar variation 232709 (VCV000232709.13), dbSNP rs876659939, ClinGen allele CA10578707.

ClinVar aggregate classification (germline): Uncertain significance. Review status: criteria provided, multiple submitters, no conflicts (2 of 4 stars). 3 submissions from 3 submitters: Uncertain significance (3). Last evaluated 2025-04-28.

Conditions:
Hereditary nonpolyposis colorectal neoplasms. Identifiers: MedGen C0009405, MeSH D003123.
Hereditary cancer-predisposing syndrome. Also called: Neoplastic Syndromes, Hereditary; Tumor predisposition; Hereditary Cancer Syndrome; Hereditary neoplastic syndrome. Identifiers: Orphanet 140162, MedGen C0027672, MeSH D009386, MONDO:0015356.

Allele frequency attached by ClinVar (database versions not stated): gnomAD exomes 0.00001.
gnomAD v4.1: 10 of 1,591,078 alleles (0.00063%); highest among the groups gnomAD compares: Non-Finnish European, 0.00086%; no homozygotes.

Submissions (3):

Color Diagnostics, LLC DBA Color Health
Classification: Uncertain significance for Hereditary cancer-predisposing syndrome. Last evaluated: 2025-04-28. Review status: criteria provided, single submitter. Criteria: ACMG Guidelines, 2015. Collection method: clinical testing. Allele origin: germline.
Comment: This variant causes an A to G nucleotide substitution at the +3 position of intron 5/14 of the PMS2 gene. To our knowledge, functional studies have not been reported for this variant. This variant has not been reported in individuals affected with PMS2-related disorders in the literature. This variant has not been identified in the general population by the Genome Aggregation Database (gnomAD). The available evidence is insufficient to determine the role of this variant in disease conclusively. Therefore, this variant is classified as a Variant of Uncertain Significance.

Labcorp Genetics (formerly Invitae), Labcorp
Classification: Uncertain significance for Hereditary nonpolyposis colorectal neoplasms. Last evaluated: 2023-05-18. Review status: criteria provided, single submitter. Criteria: Invitae Variant Classification Sherloc (09022015). Collection method: clinical testing. Allele origin: germline.
Comment: In summary, the available evidence is currently insufficient to determine the role of this variant in disease. Therefore, it has been classified as a Variant of Uncertain Significance. This sequence change falls in intron 5 of the PMS2 gene. It does not directly change the encoded amino acid sequence of the PMS2 protein. It affects a nucleotide within the consensus splice site. This variant is not present in population databases (gnomAD no frequency). This variant has not been reported in the literature in individuals affected with PMS2-related conditions. ClinVar contains an entry for this variant (Variation ID: 232709). Variants that disrupt the consensus splice site are a relatively common cause of aberrant splicing (PMID: 17576681, 9536098). Algorithms developed to predict the effect of sequence changes on RNA splicing suggest that this variant is not likely to affect RNA splicing.

Ambry Genetics
Classification: Uncertain significance for Hereditary cancer-predisposing syndrome. Last evaluated: 2020-01-20. Review status: criteria provided, single submitter. Criteria: Ambry Variant Classification Scheme 2023. Collection method: clinical testing. Allele origin: germline.
Comment: The c.537+3A>G intronic variant results from an A to G substitution 3 nucleotides after coding exon 5 in the PMS2 gene. This nucleotide position is not well conserved in available vertebrate species. In silico splice site analysis predicts that this alteration will not have any significant effect on splicing; however, direct evidence is insufficient at this time (Ambry internal data). Since supporting evidence is limited at this time, the clinical significance of this alteration remains unclear.

Literature cited by the submitters: PubMed 17576681 (cited by Labcorp Genetics (formerly Invitae), Labcorp); PubMed 9536098 (cited by Labcorp Genetics (formerly Invitae), Labcorp).